The following is an entry in ClinVar:

ClinVar aggregate classification (germline): no classifications from unflagged records (0 of 4 stars; one submission).

Submission:

ISCA site 1
Classification: Uncertain significance. Last evaluated: 2018-02-16. Review status: flagged submission. Collection method: clinical testing. Allele origin: unknown. Affected: yes. Observed: 1 variant allele.
Comment: Copy number variation identified through the course of routine clinical cytogenomic testing in postnatal populations, with clinical assertions as classified by the original submitter. For data from the original published study, Kaminsky, et al. 2011 (PubMed 21844811), please see nstd101.
ClinVar note: Notes: This submission was flagged because its interpretation of this variant conflicts with the ClinGen Gene Dosage Map curation for the gene PRRT2.
ClinVar note: Reason: Conflict with ClinGen Gene Dosage Map

GRCh38/hg38 16p11.2(chr16:29513831-30206791)x1

Genes: ALDOA (aldolase, fructose-bisphosphate A; plus strand), ASPHD1 (aspartate beta-hydroxylase domain containing 1; plus strand), BOLA2B (bolA family member 2B; minus strand), C16orf54 (chromosome 16 open reading frame 54; minus strand), CDIPT (CDP-diacylglycerol--inositol 3-phosphatidyltransferase; minus strand) and 108 more. Cytogenetic location: 16p11.2.
Variant type: copy number loss.
Change: copy number 1 (one copy instead of two) of chr16:29,513,831-30,206,791 (693.0 kb, GRCh38 coordinates, 1-based), cytogenetic band 16p11.2.
Identifiers: ClinVar variation 153846 (VCV000153846.3).